The following is an entry in ClinVar:

ClinVar aggregate classification (germline): Conflicting classifications of pathogenicity. Review status: criteria provided, conflicting classifications (1 of 4 stars). 2 submissions from 2 submitters: Pathogenic (1); Uncertain significance (1). Last evaluated 2023-07-19.

Conditions:
Familial adenomatous polyposis 1 (FAP1). Also called: FAMILIAL ADENOMATOUS POLYPOSIS 1, ATTENUATED; POLYPOSIS, ADENOMATOUS INTESTINAL. Identifiers: MedGen C2713442, MONDO:0021056, OMIM 175100. Disease mechanism: loss of function.
Classic or attenuated familial adenomatous polyposis. Identifiers: MedGen CN372698, MONDO:0021057.

Submissions (2):

All of Us Research Program, National Institutes of Health
Classification: Uncertain significance for Classic or attenuated familial adenomatous polyposis. Last evaluated: 2023-07-19. Review status: criteria provided, single submitter. Criteria: ACMG Guidelines, 2015. Collection method: clinical testing. Allele origin: germline. Inheritance: Autosomal dominant inheritance. Observed: 1 variant allele, 1 heterozygote.
Comment: This variant deletes 16 nucleotides in exon 16 of the APC gene, creating a frameshift and premature translation stop signal. This mutant transcript is predicted to escape nonsense-mediated decay and be expressed as a truncated protein. Although functional studies have not been reported, this variant is expected to disrupt part of EB1 and HDLG binding sites, which mediate interactions with the cytoskeleton (PMID: 15311282, 17293347). To our knowledge, this variant has not been reported in individuals affected with APC-related disorders in the literature. This variant has not been identified in the general population by the Genome Aggregation Database (gnomAD). Loss of APC function is a known mechanism of disease. The available evidence is insufficient to determine the role of this variant in disease conclusively. Therefore, this variant is classified as a Variant of Uncertain Significance.

This study involves interpretation of variants in research participants for the purpose of population health screening. Participant phenotype was not available at the time of variant classification. Additional details can be found in publication PMID: 35346344, PMCID: PMC8962531

Myriad Genetics, Inc.
Classification: Pathogenic for Familial adenomatous polyposis 1. Last evaluated: 2023-05-16. Review status: criteria provided, single submitter. Criteria: Myriad Autosomal Dominant, Autosomal Recessive and X-Linked Classification Criteria (2023). Collection method: clinical testing. Allele origin: unknown.
Comment: This variant is considered pathogenic. This variant creates a frameshift predicted to result in premature protein truncation.

Literature cited by the submitters: PubMed 15311282 (cited by All of Us Research Program, National Institutes of Health); PubMed 17293347 (cited by All of Us Research Program, National Institutes of Health).

NM_000038.6(APC):c.8216_8231del (p.Lys2739fs)

Gene: APC (APC regulator of Wnt signaling pathway; plus strand). Cytogenetic location: 5q22.2.
Variant type: Deletion.
Coding change: c.8216_8231del on transcript NM_000038.6 (MANE Select); coding-DNA positions 8216 to 8231, 16 bases deleted (AACCAGGACAAAATAA).
Protein change: p.Lys2739fs; shifts the reading frame from lysine 2739.
Molecular consequence: frameshift variant. On other transcripts: non-coding transcript variant (2).
Genome position (GRCh38, 1-based): chr5:112,843,810-112,843,825, AACCAGGACAAAATAA deleted; deleting any 16 consecutive bases within chr5:112,843,806-112,843,825 gives the same sequence; the c. name uses the placement nearest the transcript's 3' end. VCF-style (leftmost placement, unchanged base first): chr5-112843805-GATAAAACCAGGACAAA-G. GRCh37 (hg19) VCF-style: chr5-112179502-GATAAAACCAGGACAAA-G.
Other names: c.8216_8231del, p.Lys2739fs (NM_001127510.3, NM_001354895.2, NM_001407450.1); c.8162_8177del, p.Lys2721fs (NM_001127511.3); c.8270_8285del, p.Lys2757fs (NM_001354896.2, NM_001407447.1, NM_001407448.1 and 1 more transcripts); c.8246_8261del, p.Lys2749fs (NM_001354897.2); c.8141_8156del, p.Lys2714fs (NM_001354898.2); c.8132_8147del, p.Lys2711fs (NM_001354899.2); c.8093_8108del, p.Lys2698fs (NM_001354900.2); c.8039_8054del, p.Lys2680fs (NM_001354901.2, NM_001407453.1); and 11 more; short protein forms K2355fs, K2456fs, K2579fs, K2610fs, K2613fs, K2638fs, K2648fs, K2656fs.
Identifiers: ClinVar variation 2584049 (VCV002584049.3), dbSNP rs2533852303, ClinGen allele CA2582341607.